The following is an entry in ClinVar:

NM_001025295.3(IFITM5):c.186+19G>A

Gene: IFITM5 (interferon induced transmembrane protein 5; minus strand). Cytogenetic location: 11p15.5.
Variant type: single nucleotide variant.
Coding change: c.186+19G>A on transcript NM_001025295.3 (MANE Select); 19 bases into the intron after coding-DNA position 186, G replaced by A.
Molecular consequence: intron variant.
Genome position (GRCh38, 1-based): chr11:299,286, C>T on the plus strand (G>A on the coding strand, the complement: IFITM5 is on the minus strand). VCF-style: chr11-299286-C-T. GRCh37 (hg19) VCF-style: chr11-299286-C-T.
Identifiers: ClinVar variation 679579 (VCV000679579.10), dbSNP rs116899068, ClinGen allele CA5773463.

ClinVar aggregate classification (germline): Benign. Review status: criteria provided, multiple submitters, no conflicts (2 of 4 stars). 3 submissions from 3 submitters: Benign (3). Last evaluated 2026-01-25.

Allele frequency attached by ClinVar (database versions not stated): ESP Exome Variant Server 0.00062; gnomAD 0.00570 and 0.00718; TOPMed 0.00811; gnomAD exomes 0.01214; ExAC 0.02588; 1000 Genomes Project 30x 0.02592; 1000 Genomes Project 0.02696.
gnomAD v4.1: 6,918 of 1,563,084 alleles (0.44%); highest among the groups gnomAD compares: East Asian, 11%; 294 homozygotes.

Submissions (3):

Labcorp Genetics (formerly Invitae), Labcorp
Classification: Benign. Last evaluated: 2026-01-25. Review status: criteria provided, single submitter. Criteria: Invitae Variant Classification Sherloc (09022015). Collection method: clinical testing. Allele origin: germline.

GeneDx
Classification: Benign. Last evaluated: 2018-05-24. Review status: criteria provided, single submitter. Criteria: GeneDx Variant Classification (06012015). Collection method: clinical testing. Allele origin: germline. Affected: yes.
Comment: This variant is considered likely benign or benign based on one or more of the following criteria: it is a conservative change, it occurs at a poorly conserved position in the protein, it is predicted to be benign by multiple in silico algorithms, and/or has population frequency not consistent with disease.

Breakthrough Genomics
Classification: Benign. Review status: criteria provided, single submitter. Criteria: ACMG Guidelines, 2015. Collection method: not provided. Allele origin: germline. Inheritance: Autosomal dominant inheritance. Affected: yes.